The following is an entry in ClinVar:

NM_007294.4(BRCA1):c.2135G>T (p.Cys712Phe)

Gene: BRCA1 (BRCA1 DNA repair associated; minus strand). Cytogenetic location: 17q21.31.
Variant type: single nucleotide variant.
Coding change: c.2135G>T on transcript NM_007294.4 (MANE Select); coding-DNA position 2135, G replaced by T.
Protein change: p.Cys712Phe; replaces cysteine 712 with phenylalanine.
Molecular consequence: missense variant. On other transcripts: intron variant (137).
Genome position (GRCh38, 1-based): chr17:43,093,396, C>A on the plus strand (G>T on the coding strand, the complement: BRCA1 is on the minus strand). VCF-style: chr17-43093396-C-A. GRCh37 (hg19) VCF-style: chr17-41245413-C-A.
Other names: c.1247G>T, p.Cys416Phe (NM_001407966.1, NM_001407967.1); c.1994G>T, p.Cys665Phe (NM_007297.4, NM_001407692.1, NM_001407694.1 and 29 more transcripts); c.2135G>T, p.Cys712Phe (NM_007300.4, NM_001407581.1, NM_001407582.1 and 30 more transcripts); c.646+1348G>T (NM_001408458.1, NM_001408469.1, NM_001408453.1 and 11 more transcripts); c.283+1348G>T (NM_001408512.1); c.406+1348G>T (NM_001408510.1); c.643+1348G>T (NM_001408470.1, NM_001408464.1, NM_001408468.1 and 3 more transcripts); c.784+1348G>T (NM_001408397.1, NM_001408401.1, NM_001408396.1 and 13 more transcripts); and 41 more; short protein forms C712F, C665F, C416F, C624F, C644F, C645F, C664F, C671F.
Identifiers: ClinVar variation 482921 (VCV000482921.17), dbSNP rs1555590395, ClinGen allele CA10597733.

ClinVar aggregate classification (germline): Conflicting classifications of pathogenicity. Review status: criteria provided, conflicting classifications (1 of 4 stars). 3 submissions from 3 submitters: Uncertain significance (2); Likely benign (1). Last evaluated 2024-10-15.

Conditions:
Hereditary breast ovarian cancer syndrome. Also called: Hereditary breast and ovarian cancer syndrome; Hereditary breast and ovarian cancer; Hereditary breast and ovarian cancer syndrome (HBOC); Breast and ovarian cancer; Hereditary breast and/or ovarian cancer syndrome; BRCA1- and BRCA2-Associated Hereditary Breast and Ovarian Cancer. Identifiers: Orphanet 145, MedGen C0677776, MeSH D061325, MONDO:0003582. Disease mechanism: loss of function.
Hereditary cancer-predisposing syndrome. Also called: Neoplastic Syndromes, Hereditary; Tumor predisposition; Hereditary Cancer Syndrome; Hereditary neoplastic syndrome. Identifiers: Orphanet 140162, MedGen C0027672, MeSH D009386, MONDO:0015356.

Submissions (3):

Ambry Genetics
Classification: Uncertain significance for Hereditary cancer-predisposing syndrome. Last evaluated: 2024-10-15. Review status: criteria provided, single submitter. Criteria: Ambry Variant Classification Scheme 2023. Collection method: clinical testing. Allele origin: germline.
Comment: The p.C712F variant (also known as c.2135G>T), located in coding exon 9 of the BRCA1 gene, results from a G to T substitution at nucleotide position 2135. The cysteine at codon 712 is replaced by phenylalanine, an amino acid with highly dissimilar properties. This amino acid position is not well conserved in available vertebrate species. In addition, the in silico prediction for this alteration is inconclusive. Based on the available evidence, the clinical significance of this variant remains unclear.

Labcorp Genetics (formerly Invitae), Labcorp
Classification: Uncertain significance for Hereditary breast ovarian cancer syndrome. Last evaluated: 2023-12-01. Review status: criteria provided, single submitter. Criteria: Invitae Variant Classification Sherloc (09022015). Collection method: clinical testing. Allele origin: germline.
Comment: This sequence change replaces cysteine, which is neutral and slightly polar, with phenylalanine, which is neutral and non-polar, at codon 712 of the BRCA1 protein (p.Cys712Phe). This variant is not present in population databases (gnomAD no frequency). This variant has not been reported in the literature in individuals affected with BRCA1-related conditions. ClinVar contains an entry for this variant (Variation ID: 482921). Advanced modeling of protein sequence and biophysical properties (such as structural, functional, and spatial information, amino acid conservation, physicochemical variation, residue mobility, and thermodynamic stability) performed at Invitae indicates that this missense variant is not expected to disrupt BRCA1 protein function with a negative predictive value of 95%. In summary, the available evidence is currently insufficient to determine the role of this variant in disease. Therefore, it has been classified as a Variant of Uncertain Significance.

University of Washington Department of Laboratory Medicine, University of Washington
Classification: Likely benign for Hereditary cancer-predisposing syndrome. Last evaluated: 2023-03-23. Review status: criteria provided, single submitter. Criteria: Dines et al. (Genet Med. 2020). Collection method: curation. Allele origin: germline.
Comment: Missense variant in a coldspot region where missense variants are very unlikely to be pathogenic (PMID:31911673).

BRCA1 coldspot (exon 11 using historical exon numbering). Reclassification based on statistical prior probability